The following is an entry in ClinVar:

ClinVar aggregate classification (germline): Uncertain significance (1 of 4 stars; one submission).

Conditions:
Cardiomyopathy (CMYO). Also called: Cardiomyopathies. Identifiers: Orphanet 167848, MedGen C0878544, MONDO:0004994, HP:0001638. Inheritance: Various modes of inheritance.

Submission:

Color Diagnostics, LLC DBA Color Health
Classification: Uncertain significance for Cardiomyopathy. Last evaluated: 2025-09-15. Review status: criteria provided, single submitter. Criteria: ACMG Guidelines, 2015. Collection method: clinical testing. Allele origin: germline.
Comment: This variant introduces a premature protein translation termination signal at codon 62 in the PRKAG2 gene. This variant is expected to result in an absent or nonfunctional protein product. This variant has not been reported in individuals affected with PRKAG2-related disorders in the literature. This variant has not been identified in the general population by the Genome Aggregation Database (gnomAD). The role of loss-of-function PRKAG2 truncation variants in cardiovascular disorders is not clearly understood. The available evidence is insufficient to determine the role of this variant in disease conclusively. Therefore, this variant is classified as a Variant of Uncertain Significance.

NM_016203.4(PRKAG2):c.184A>T (p.Lys62Ter)

Gene: PRKAG2 (protein kinase AMP-activated non-catalytic subunit gamma 2; minus strand). Cytogenetic location: 7q36.1.
Variant type: single nucleotide variant.
Coding change: c.184A>T on transcript NM_016203.4 (MANE Select); coding-DNA position 184, A replaced by T.
Protein change: p.Lys62Ter; replaces lysine 62 with a stop codon.
Molecular consequence: nonsense. On other transcripts: intron variant (1).
Genome position (GRCh38, 1-based): chr7:151,786,472, T>A on the plus strand (A>T on the coding strand, the complement: PRKAG2 is on the minus strand). VCF-style: chr7-151786472-T-A. GRCh37 (hg19) VCF-style: chr7-151483558-T-A.
Other names: c.52A>T, p.Lys18Ter (NM_001040633.2, NM_001407024.1, NM_001407026.1 and 2 more transcripts); c.184A>T, p.Lys62Ter (NM_001407021.1, NM_001407022.1, NM_001407023.1 and 2 more transcripts); c.148+27944A>T (NM_001407032.1); short protein forms K18*, K62*.
Identifiers: ClinVar variation 4758407 (VCV004758407.1).
Genomic context (GRCh38, chr7:151,786,472, plus strand): 5'-GCCTGCCTCCGTGGCACCTCAAGTGAGCTGTGAGAAACTTCTGGAAAGGAGGTCTTACCT[T>A]TCGAGAGGAATGCTTTCCGGAACCCTCCAGGTCTCCGTCCAGGAGCGGCATGGCGAAGGA-3'